The following is an entry in ClinVar:

ClinVar aggregate classification (germline): Uncertain significance. Review status: criteria provided, single submitter (1 of 4 stars). 2 submissions from 2 submitters: Uncertain significance (1). 1 of the submissions does not count toward it. Last evaluated 2021-08-25.

Conditions:
Metaphyseal chondrodysplasia, McKusick type (CHH). Also called: Cartilage-hair hypoplasia; Cartilage-Hair Hypoplasia (CHH). Identifiers: Orphanet 175, MedGen C0220748, MONDO:0009595, OMIM 250250.
Anauxetic dysplasia. Identifiers: Orphanet 93347, MedGen C1846796, MONDO:0011773.

gnomAD v4.1: 4 of 693,198 alleles (0.00058%); highest among the groups gnomAD compares: South Asian, 0.0015%; no homozygotes.

Submissions (2):

Labcorp Genetics (formerly Invitae), Labcorp
Classification: Uncertain significance for Anauxetic dysplasia. Last evaluated: 2021-08-25. Review status: criteria provided, single submitter. Criteria: Invitae Variant Classification Sherloc (09022015). Collection method: clinical testing. Allele origin: germline.
Comment: This variant occurs in the RMRP gene, which encodes an RNA molecule that does not result in a protein product. The frequency data for this variant in the population databases is considered unreliable, as metrics indicate insufficient coverage at this position in the ExAC database. This variant has not been reported in the literature in individuals affected with RMRP-related conditions. ClinVar contains an entry for this variant (Variation ID: 663727). Experimental studies and prediction algorithms are not available or were not evaluated, and the functional significance of this variant is currently unknown. In summary, the available evidence is currently insufficient to determine the role of this variant in disease. Therefore, it has been classified as a Variant of Uncertain Significance.

Natera, Inc.
Classification: Uncertain significance for Cartilage-hair hypoplasia. Last evaluated: 2021-09-03. Review status: no assertion criteria provided. Collection method: clinical testing. Allele origin: germline. Not counted in ClinVar's aggregate classification.

NR_003051.4(RMRP):n.186G>T

Gene: RMRP (RNA component of mitochondrial RNA processing endoribonuclease; minus strand). Cytogenetic location: 9p13.3.
Variant type: single nucleotide variant.
Genome position: GRCh38 VCF-style: chr9-35657834-C-A. GRCh37 (hg19) VCF-style: chr9-35657831-C-A.
Identifiers: ClinVar variation 663727 (VCV000663727.7), dbSNP rs908555769, ClinGen allele CA464450613.
Genomic context (GRCh38, chr9:35,657,834, plus strand): 5'-CGTGTGGTTGGTGCGCGGACACGCACTGCCTGCGTAACTAGAGGGAGCTGACGGATGACG[C>A]CCCCGCGCCACGCCGCTCAGCGGGATACGCTTCTTGGCGGACTTTGGAGTGGGAAGCGGG-3'